The following is an entry in ClinVar:

NM_003737.4(DCHS1):c.76_77insGGC (p.Leu25_Leu26insArg)

Gene: DCHS1 (dachsous cadherin-related 1; minus strand). Cytogenetic location: 11p15.4.
Variant type: Insertion.
Coding change: c.76_77insGGC on transcript NM_003737.4 (MANE Select); coding-DNA positions 76 to 77, GGC inserted.
Protein change: p.Leu25_Leu26insArg.
Molecular consequence: inframe insertion.
Genome position: GRCh38 VCF-style: chr11-6641537-A-AGCC. GRCh37 (hg19) VCF-style: chr11-6662768-A-AGCC.
Identifiers: ClinVar variation 4744585 (VCV004744585.1).

ClinVar aggregate classification (germline): Uncertain significance (1 of 4 stars; one submission).

Submission:

Labcorp Genetics (formerly Invitae), Labcorp
Classification: Uncertain significance. Last evaluated: 2025-07-23. Review status: criteria provided, single submitter. Criteria: Invitae Variant Classification Sherloc (09022015). Collection method: clinical testing. Allele origin: germline.
Comment: This variant, c.76_77insGGC, results in the insertion of 1 amino acid(s) of the DCHS1 protein (p.Leu25_Leu26insArg), but otherwise preserves the integrity of the reading frame. This variant is not present in population databases (gnomAD no frequency). This variant has not been reported in the literature in individuals affected with DCHS1-related conditions. In summary, the available evidence is currently insufficient to determine the role of this variant in disease. Therefore, it has been classified as a Variant of Uncertain Significance.